The following is an entry in ClinVar:

NM_001375524.1(TRRAP):c.2788G>A (p.Asp930Asn)

Gene: TRRAP (transformation/transcription domain associated protein; plus strand). Cytogenetic location: 7q22.1.
Variant type: single nucleotide variant.
Coding change: c.2788G>A on transcript NM_001375524.1 (MANE Select); coding-DNA position 2788, G replaced by A.
Protein change: p.Asp930Asn; replaces aspartic acid 930 with asparagine.
Molecular consequence: missense variant.
Genome position (GRCh38, 1-based): chr7:98,921,918, G>A. VCF-style: chr7-98921918-G-A. GRCh37 (hg19) VCF-style: chr7-98519541-G-A.
Other names: c.2788G>A, p.Asp930Asn (NM_001244580.2, NM_003496.4); short protein forms D930N.
Identifiers: ClinVar variation 5007252 (VCV005007252.2).
Genomic context (GRCh38, chr7:98,921,918, plus strand): 5'-CAGAAGCTGCACTACGTTGTGACCGAGGTTCAGGGCCCCAGCATCACTGTGGAGTTTTCC[G>A]ACTGCAAAGCTTCTCTCCAGCTCCCCATGGAGAAGGTAAGCTCTGTGACAATGTCGTTTC-3'
Protein context (NP_001362453.1, residues 920-940): QGPSITVEFS[Asp930Asn]CKASLQLPME

ClinVar aggregate classification (germline): Uncertain significance (1 of 4 stars; one submission).

Conditions:
Hearing loss, autosomal dominant 75. Also called: DEAFNESS, AUTOSOMAL DOMINANT 75. Identifiers: MedGen C5394059, MONDO:0032911, OMIM 618778.
Developmental delay with or without dysmorphic facies and autism. Identifiers: MedGen C5193106, MONDO:0032760, OMIM 618454.

gnomAD v4.1: 9 of 1,614,078 alleles (0.00056%); highest among the groups gnomAD compares: East Asian, 0.0067%; no homozygotes.

Submission:

Juno Genomics, Hangzhou Juno Genomics, Inc
Classification: Uncertain significance for Hearing loss, autosomal dominant 75; Developmental delay with or without dysmorphic facies and autism. Review status: criteria provided, single submitter. Criteria: ACMG Guidelines, 2015. Collection method: clinical testing. Allele origin: germline.
Comment: Absent from controls (or at extremely low frequency if recessive) in Genome Aggregation Database.